The following is an entry in ClinVar:

NM_152547.5(BTNL9):c.622del (p.Leu208fs)

Gene: BTNL9 (butyrophilin like 9; plus strand). Cytogenetic location: 5q35.3.
Variant type: Deletion.
Coding change: c.622del on transcript NM_152547.5 (MANE Select); coding-DNA position 622, one base deleted (C; older notation c.622delC).
Protein change: p.Leu208fs; shifts the reading frame from leucine 208.
Molecular consequence: frameshift variant.
Genome position (GRCh38, 1-based): chr5:181,050,255, C deleted; the last of 2 consecutive C bases (chr5:181,050,254-181,050,255); deleting either gives the same sequence. VCF-style (leftmost placement, unchanged base first): chr5-181050253-AC-A. GRCh37 (hg19) VCF-style: chr5-180477253-AC-A.
Other names: c.622del, p.Leu208fs (NM_001308245.2); short protein forms L208fs.
Identifiers: ClinVar variation 2656161 (VCV002656161.24), dbSNP rs367635312, ClinGen allele CA3609176.

ClinVar aggregate classification (germline): Benign (1 of 4 stars; one submission).

Submission:

CeGaT Center for Human Genetics Tuebingen
Classification: Benign. Last evaluated: 2023-01-01. Review status: criteria provided, single submitter. Criteria: CeGaT Center For Human Genetics Tuebingen Variant Classification Criteria Version 2. Collection method: clinical testing. Allele origin: germline. Affected: yes. Observed: 1 variant allele.
Comment: BTNL9: BS1, BS2